The following is an entry in ClinVar:

ClinVar aggregate classification (germline): Uncertain significance (1 of 4 stars; one submission).

Conditions:
Inborn genetic diseases. Identifiers: MedGen C0950123, MeSH D030342.

Submission:

Ambry Genetics
Classification: Uncertain significance for Inborn genetic diseases. Last evaluated: 2026-07-18. Review status: criteria provided, single submitter. Criteria: Ambry Variant Classification Scheme 2023. Collection method: clinical testing. Allele origin: germline.
Comment: The p.A14S variant (also known as c.40G>T), located in coding exon 1 of the SH2B3 gene, results from a G to T substitution at nucleotide position 40. The alanine at codon 14 is replaced by serine, an amino acid with similar properties. This amino acid position is conserved. In addition, this alteration is predicted to be tolerated by in silico analysis. Based on the available evidence, the clinical significance of this variant remains unclear.

NM_005475.3(SH2B3):c.40G>T (p.Ala14Ser)

Gene: SH2B3 (SH2B adaptor protein 3; plus strand). Cytogenetic location: 12q24.12.
Variant type: single nucleotide variant.
Coding change: c.40G>T on transcript NM_005475.3 (MANE Select); coding-DNA position 40, G replaced by T.
Protein change: p.Ala14Ser; replaces alanine 14 with serine.
Molecular consequence: missense variant.
Genome position (GRCh38, 1-based): chr12:111,418,185, G>T. VCF-style: chr12-111418185-G-T. GRCh37 (hg19) VCF-style: chr12-111855989-G-T.
Other names: short protein forms A14S.
Identifiers: ClinVar variation 5029476 (VCV005029476.1).